The following is an entry in ClinVar:

ClinVar aggregate classification (germline): Likely benign (1 of 4 stars; one submission).

Allele frequency attached by ClinVar (database versions not stated): gnomAD exomes below 0.00001.
gnomAD v4.1: 2 of 1,598,738 alleles (0.00013%); highest among the groups gnomAD compares: Non-Finnish European, 0.00017%; no homozygotes.

Submission:

GeneDx
Classification: Likely benign. Last evaluated: 2016-08-19. Review status: criteria provided, single submitter. Criteria: GeneDx Variant Classification (06012015). Collection method: clinical testing. Allele origin: germline. Affected: yes.
Comment: This variant is considered likely benign or benign based on one or more of the following criteria: it is a conservative change, it occurs at a poorly conserved position in the protein, it is predicted to be benign by multiple in silico algorithms, and/or has population frequency not consistent with disease.

NM_001330078.2(NRXN1):c.1869T>G (p.Ala623=)

Gene: NRXN1 (neurexin 1; minus strand). Cytogenetic location: 2p16.3.
Variant type: single nucleotide variant.
Coding change: c.1869T>G on transcript NM_001330078.2 (MANE Select); coding-DNA position 1869, T replaced by G.
Protein change: p.Ala623=; no amino-acid change (alanine 623 retained).
Molecular consequence: synonymous variant.
Genome position (GRCh38, 1-based): chr2:50,538,527, A>C on the plus strand (T>G on the coding strand, the complement: NRXN1 is on the minus strand). VCF-style: chr2-50538527-A-C. GRCh37 (hg19) VCF-style: chr2-50765665-A-C.
Other names: c.1989T>G, p.Ala663= (NM_001135659.3); c.1845T>G, p.Ala615= (NM_001330077.2, NM_001330082.2, NM_001330095.2); c.1830T>G, p.Ala610= (NM_001330083.2, NM_001330084.2); c.1869T>G, p.Ala623= (NM_001330085.2, NM_001330086.2, NM_004801.6); c.1785T>G, p.Ala595= (NM_001330087.2, NM_001330096.2); c.1815T>G, p.Ala605= (NM_001330088.2); c.1866T>G, p.Ala622= (NM_001330093.2); c.1857T>G, p.Ala619= (NM_001330094.2).
Identifiers: ClinVar variation 388572 (VCV000388572.1), dbSNP rs201816600, ClinGen allele CA16604359.